The following is an entry in ClinVar:

NM_182961.4(SYNE1):c.1632+3G>A

Gene: SYNE1 (spectrin repeat containing nuclear envelope protein 1; minus strand). Cytogenetic location: 6q25.2.
Variant type: single nucleotide variant.
Coding change: c.1632+3G>A on transcript NM_182961.4 (MANE Select); 3 bases into the intron after coding-DNA position 1632, G replaced by A.
Molecular consequence: intron variant.
Genome position (GRCh38, 1-based): chr6:152,471,594, C>T on the plus strand (G>A on the coding strand, the complement: SYNE1 is on the minus strand). VCF-style: chr6-152471594-C-T. GRCh37 (hg19) VCF-style: chr6-152792729-C-T.
Other names: c.1653+3G>A (NM_033071.5).
Identifiers: ClinVar variation 2414388 (VCV002414388.6), dbSNP rs1461451263, ClinGen allele CA820907098.
Genomic context (GRCh38, chr6:152,471,594, plus strand): 5'-ACTGAACTGTGTTGCTAAATCCATGGCTCATAGGAATTCTCTGTCAAAGCACGGGGGACT[C>T]ACCACGTAGTTTTGTAGAAGCTGCTCCACTGACTCTCTCCTCCCGTACTTAATGATCCAA-3'

ClinVar aggregate classification (germline): Uncertain significance (1 of 4 stars; one submission).

Conditions:
Autosomal recessive ataxia, Beauce type. Also called: Spinocerebellar ataxia, autosomal recessive 8; ATAXIA, RECESSIVE, OF BEAUCE; SYNE1-Related Autosomal Recessive Cerebellar Ataxia; SYNE1 Deficiency. Identifiers: Orphanet 88644, MedGen C1853116, MONDO:0012549, OMIM 610743.
Emery-Dreifuss muscular dystrophy 4, autosomal dominant (EDMD4). Also called: EMERY-DREIFUSS MUSCULAR DYSTROPHY 4 WITH VARIABLE FEATURES. Identifiers: Orphanet 261, MedGen C2751807, MONDO:0013071, OMIM 612998.

Allele frequency attached by ClinVar (database versions not stated): TOPMed below 0.00001; gnomAD 0.00001.
gnomAD v4.1: 1 of 1,613,642 alleles (0.000062%); highest among the groups gnomAD compares: Admixed American, 0.0017%; no homozygotes.

Submission:

Labcorp Genetics (formerly Invitae), Labcorp
Classification: Uncertain significance for Emery-Dreifuss muscular dystrophy 4, autosomal dominant; Autosomal recessive ataxia, Beauce type. Last evaluated: 2023-12-07. Review status: criteria provided, single submitter. Criteria: Invitae Variant Classification Sherloc (09022015). Collection method: clinical testing. Allele origin: germline.
Comment: This sequence change falls in intron 16 of the SYNE1 gene. It does not directly change the encoded amino acid sequence of the SYNE1 protein. It affects a nucleotide within the consensus splice site. This variant is not present in population databases (gnomAD no frequency). This variant has not been reported in the literature in individuals affected with SYNE1-related conditions. ClinVar contains an entry for this variant (Variation ID: 2414388). Variants that disrupt the consensus splice site are a relatively common cause of aberrant splicing (PMID: 17576681, 9536098). Algorithms developed to predict the effect of sequence changes on RNA splicing suggest that this variant is not likely to affect RNA splicing. In summary, the available evidence is currently insufficient to determine the role of this variant in disease. Therefore, it has been classified as a Variant of Uncertain Significance.

Literature cited by the submitters: PubMed 17576681; PubMed 9536098.